The following continues an entry in ClinVar:

NM_000297.4(PKD2):c.2614C>T (p.Arg872Ter)

Gene: PKD2. ClinVar aggregate classification (germline): Pathogenic. Pathogenic (19).

Submissions 13 to 22 of 22:

GeneDx
Classification: Pathogenic. Last evaluated: 2022-06-07. Review status: criteria provided, single submitter. Criteria: GeneDx Variant Classification Process June 2021. Collection method: clinical testing. Allele origin: germline. Affected: yes.
Comment: Nonsense variant in the C-terminus predicted to result in protein truncation, as the last 97 amino acids are lost, and other loss-of-function variants have been reported downstream in the Human Gene Mutation Database (HGMD); Published functional studies demonstrate this variant results in the loss of PKD1 binding, reduction of IP3R binding and the loss of phosphorylation inhibiting cell growth (Qian et al., 1997; Li et al., 2005; Liang et al., 2008); Not observed at a significant frequency in large population cohorts (gnomAD); This variant is associated with the following publications: (PMID: 16223735, 19556541, 20168298, 19491093, 10497221, 25525159, 10541293, 9171830, 18664456, 11438989, 21551026, 31514750, 17574468, 18837007, 12842373, 17582161, 22508176, 33454723, 34426522, 22383692, 12707387, 24374109, 11967008)

MGZ Medical Genetics Center
Classification: Pathogenic for Polycystic kidney disease 2. Last evaluated: 2022-02-17. Review status: criteria provided, single submitter. Criteria: ACMG Guidelines, 2015. Collection method: clinical testing. Allele origin: germline. Affected: yes. Observed: 1 variant allele.
Comment: ACMG criteria applied: PVS1, PS4, PM2_SUP, PP1

Baylor Genetics
Classification: Pathogenic for Polycystic kidney disease 2. Last evaluated: 2020-09-04. Review status: criteria provided, single submitter. Criteria: ACMG Guidelines, 2015. Collection method: clinical testing. Allele origin: unknown. Affected: yes.
Comment: This variant was determined to be pathogenic according to ACMG Guidelines, 2015 [PMID:25741868].

Cavalleri Lab, Royal College of Surgeons in Ireland
Classification: Pathogenic for Polycystic kidney disease 2. Last evaluated: 2020-02-05. Review status: criteria provided, single submitter. Criteria: ACMG Guidelines, 2015. Collection method: research. Allele origin: unknown. Inheritance: Autosomal dominant inheritance. Affected: yes.
Comment: PVS1, PM2, PP3, PP4, PP5

ARUP Laboratories, Molecular Genetics and Genomics, ARUP Laboratories
Classification: Pathogenic. Last evaluated: 2017-11-10. Review status: criteria provided, single submitter. Criteria: ARUP Molecular Germline Variant Investigation Process. Collection method: clinical testing. Allele origin: germline.

Athena Diagnostics
Classification: Pathogenic. Last evaluated: 2016-11-15. Review status: criteria provided, single submitter. Criteria: Athena Diagnostics Criteria. Collection method: clinical testing. Allele origin: germline.

Juno Genomics, Hangzhou Juno Genomics, Inc
Classification: Pathogenic for Polycystic kidney disease 2. Review status: criteria provided, single submitter. Criteria: ACMG Guidelines, 2015. Collection method: clinical testing. Allele origin: germline. Affected: yes.
Comment: Absent from controls (or at extremely low frequency if recessive) in Genome Aggregation Database, Exome Sequencing Project, 1000 Genomes Project, or Exome Aggregation Consortium.;Null variant in a gene where loss of function (LOF) is a known mechanism of disease.;The prevalence of the variant in affected individuals is significantly increased compared to the prevalence in controls.;Patient's phenotype or family history is highly specific for a disease with a single genetic etiology.

Diagnostics Centre, Carl Von Ossietzky University Oldenburg
Classification: Pathogenic for Polycystic kidney disease 2. Last evaluated: 2023-09-08. Review status: no assertion criteria provided. Collection method: clinical testing. Allele origin: germline. Affected: yes. Observed: 1 variant allele. Not counted in ClinVar's aggregate classification.
Comment: The variant PKD2.c.2614C>T, p.(Arg872Ter), which is located in the coding exon 13 of the PKD2 gene, results from a cytosine-to-thymine substitution at nucleotide position 2614, leading to a premature stop codon at protein position 872. The premature stop codon is predicted to cause non-sense mediated decay and a truncated or absent of the gene product. Loss-of-function variants in the gene (PKD2) are known to be Pathogenic (PMID: 22863349). The variant has been reported in multiple individuals affected with autosomal dominant polycystic kidney disease. Functional studies showed an altered splicing behaviour of the altered mRNA and increased proteasomal degradation of the resulting protein (PMID: 10541293, 18178578). In addition, functional studies showed that the variant affects PKD1 binding as well as other functional deleterious consequences (PMID: 16223735, 18664456). This variant is consistently assessed as Pathogenic on 13 entries in Clinvar (Clinvar ID: 448036). This variant is classified as very rare in the overall population (one heterozygous carrier in gnomAD). The variant is classified as Pathogenic.

Gharavi Laboratory, Columbia University
Classification: Pathogenic. Last evaluated: 2018-09-16. Review status: no assertion criteria provided. Criteria: ACMG Guidelines, 2015. Collection method: research. Allele origin: germline. Affected: yes. Not counted in ClinVar's aggregate classification.

Department of Pathology and Laboratory Medicine, Sinai Health System
Classification: Pathogenic for Polycystic Kidney disease. Review status: no assertion criteria provided. Collection method: clinical testing. Allele origin: unknown. Affected: yes. Observed: 1 variant allele. Study: The Canadian Open Genetics Repository (COGR). Not counted in ClinVar's aggregate classification.
Comment: The PKD2 p.Arg872X variant was identified in 15 of 2574 proband chromosomes (frequency: 0.006) from individuals or families with ADPKD (Tan 2008, Rossetti 2007, Magistroni 2003, Rossetti 2007, Garcia-Gonzalez 2007, Audrezet 2012). The variant was also identified in the following databases: dbSNP (ID: rs755226061), ADPKD Mutation Database (as definitely pathogenic) and in control databases in 1 of 245848 chromosomes at a frequency of 0.000004 (Genome Aggregation Database Feb 27, 2017). It was observed in the European Non-Finnish population in 1 of 111338 chromosomes (freq: 0.000009); it was not observed in the African, Other, Latino, Ashkenazi Jewish, East Asian, European Finnish, and South Asian populations. The variant was not identified in ClinVar, Clinvitae, COGR, LOVD 3.0, and PKD1-LOVD databases. Reverse transcription-PCR from patient lymphoblast RNA showed that the variant resulted in an out-of-frame splice variant by activating a cryptic splice site and the formation of three species of processed transcripts: a wildtype transcript, a transcript with a single base nonsense mutation, and an incorrectly spliced transcript with deletion which leads to a consequent frame shift resulting in a stop codon eight residues downstream of the splice junction; there was no exon skipping found (Reynolds 1999). In 1 proband, the variant also co-occurred with a highly pathogenic PKD1 variant (G2814R) (Garcia-Gonzalez 2007). The c.2614C>T variant leads to a premature stop codon at position 872 which is predicted to lead to a truncated or absent protein and loss of function. Loss of function variants of the PKD2 gene are an established mechanism of disease in in autosomal dominant polycystic kidney disease and is the type of variant expected to cause the disorder. In summary, based on the above information this variant meets our laboratoryâ€šÃ„Ã´s criteria to be classified as pathogenic.

Literature cited by the submitters: PubMed 10541293 (cited by 6 submitters); PubMed 29338003 (cited by Victorian Clinical Genetics Services, Murdoch Childrens Research Institute and Ambry Genetics); PubMed 31514750 (cited by Mayo Clinic Laboratories, Mayo Clinic and Ambry Genetics); PubMed 35368817 (cited by Mayo Clinic Laboratories, Mayo Clinic); PubMed 37078890 (cited by Mayo Clinic Laboratories, Mayo Clinic); PubMed 37628640 (cited by Mayo Clinic Laboratories, Mayo Clinic); PubMed 17582161 (cited by 3 submitters); PubMed 22863349 (cited by Labcorp Genetics (formerly Invitae), Labcorp and Diagnostics Centre, Carl Von Ossietzky University Oldenburg); PubMed 22508176 (cited by 3 submitters); PubMed 12707387 (cited by Ambry Genetics and Athena Diagnostics); PubMed 17574468 (cited by Ambry Genetics and Athena Diagnostics); PubMed 33454723 (cited by Women's Health and Genetics/Laboratory Corporation of America, LabCorp); PubMed 16223735 (cited by Women's Health and Genetics/Laboratory Corporation of America, LabCorp and Athena Diagnostics); PubMed 18178578 (cited by Women's Health and Genetics/Laboratory Corporation of America, LabCorp and Diagnostics Centre, Carl Von Ossietzky University Oldenburg); PubMed 12842373 (cited by Athena Diagnostics); PubMed 21551026 (cited by Athena Diagnostics); PubMed 10497221 (cited by Athena Diagnostics); PubMed 18664456 (cited by Athena Diagnostics); PubMed 19556541 (cited by Athena Diagnostics); PubMed 24374109 (cited by Athena Diagnostics); PubMed 18837007 (cited by Athena Diagnostics); PubMed 22383692 (cited by Athena Diagnostics); PubMed 11967008 (cited by Athena Diagnostics); PubMed 20168298 (cited by Athena Diagnostics); PubMed 19491093 (cited by Athena Diagnostics).